The following is an entry in ClinVar:

NM_033225.6(CSMD1):c.3708C>G (p.Thr1236=)

Gene: CSMD1 (CUB and Sushi multiple domains 1; minus strand). Cytogenetic location: 8p23.2.
Variant type: single nucleotide variant.
Coding change: c.3708C>G on transcript NM_033225.6 (MANE Select); coding-DNA position 3708, C replaced by G.
Protein change: p.Thr1236=; no amino-acid change (threonine 1236 retained).
Molecular consequence: synonymous variant.
Genome position (GRCh38, 1-based): chr8:3,308,427, G>C on the plus strand (C>G on the coding strand, the complement: CSMD1 is on the minus strand). VCF-style: chr8-3308427-G-C. GRCh37 (hg19) VCF-style: chr8-3165949-G-C.
Identifiers: ClinVar variation 781657 (VCV000781657.29), dbSNP rs141170475, ClinGen allele CA4607708.

ClinVar aggregate classification (germline): Benign/Likely benign. Review status: criteria provided, multiple submitters, no conflicts (2 of 4 stars). 3 submissions from 3 submitters: Benign (2); Likely benign (1). Last evaluated 2023-04-01.

Allele frequency attached by ClinVar (database versions not stated): 1000 Genomes Project 0.00180; 1000 Genomes Project 30x 0.00203; TOPMed 0.00413; ESP Exome Variant Server 0.00509.
gnomAD v4.1: 11,223 of 1,613,642 alleles (0.7%); highest among the groups gnomAD compares: Non-Finnish European, 0.81%; 54 homozygotes.

Submissions (3):

CeGaT Center for Human Genetics Tuebingen
Classification: Likely benign. Last evaluated: 2023-04-01. Review status: criteria provided, single submitter. Criteria: CeGaT Center For Human Genetics Tuebingen Variant Classification Criteria Version 2. Collection method: clinical testing. Allele origin: germline. Affected: yes. Observed: 4 variant alleles.
Comment: CSMD1: BP4, BP7, BS2

Labcorp Genetics (formerly Invitae), Labcorp
Classification: Benign. Last evaluated: 2019-12-31. Review status: criteria provided, single submitter. Criteria: Invitae Variant Classification Sherloc (09022015). Collection method: clinical testing. Allele origin: germline.

Breakthrough Genomics
Classification: Benign. Review status: criteria provided, single submitter. Criteria: ACMG Guidelines, 2015. Collection method: not provided. Allele origin: germline. Inheritance: Unknown mechanism. Affected: yes.